The following is an entry in ClinVar:

ClinVar aggregate classification (germline): Uncertain significance (1 of 4 stars; one submission).

Submission:

Ambry Genetics
Classification: Uncertain significance. Last evaluated: 2022-03-16. Review status: criteria provided, single submitter. Criteria: Ambry Variant Classification Scheme 2023. Collection method: clinical testing. Allele origin: germline.
Comment: The p.M17L variant (also known as c.49A>C), located in coding exon 1 of the PALLD gene, results from an A to C substitution at nucleotide position 49. The methionine at codon 17 is replaced by leucine, an amino acid with highly similar properties. This amino acid position is conserved. In addition, this alteration is predicted to be tolerated by in silico analysis. Since supporting evidence is limited at this time, the clinical significance of this alteration remains unclear.

NM_001166108.2(PALLD):c.49A>C (p.Met17Leu)

Gene: PALLD (palladin, cytoskeletal associated protein; plus strand). Cytogenetic location: 4q32.3.
Variant type: single nucleotide variant.
Coding change: c.49A>C on transcript NM_001166108.2 (MANE Select); coding-DNA position 49, A replaced by C.
Protein change: p.Met17Leu; replaces methionine 17 with leucine.
Molecular consequence: missense variant.
Genome position (GRCh38, 1-based): chr4:168,511,553, A>C. VCF-style: chr4-168511553-A-C. GRCh37 (hg19) VCF-style: chr4-169432704-A-C.
Other names: c.49A>C, p.Met17Leu (NM_016081.4); short protein forms M17L.
Identifiers: ClinVar variation 1744653 (VCV001744653.2), dbSNP rs1415143769, ClinGen allele CA358724093.
Genomic context (GRCh38, chr4:168,511,553, plus strand): 5'-GACCGTTCAAATATGTCAGGGACCTCCTCCCATGAGTCCTTCTATGACTCCCTCTCAGAC[A>C]TGCAGGAAGAAAGCAAGAATACTGACTTCTTCCCGGGCCTTTCTGCTTTCCTCAGCCAGG-3'
Protein context (NP_001159580.1, residues 7-27): HESFYDSLSD[Met17Leu]QEESKNTDFF